The following is an entry in ClinVar:

ClinVar aggregate classification (germline): Likely benign. Review status: criteria provided, multiple submitters, no conflicts (2 of 4 stars). 6 submissions from 3 submitters: Likely benign (6). Last evaluated 2025-07-09.

Conditions:
Hemolytic uremic syndrome, atypical, susceptibility to, 1. Also called: AHUS, SUSCEPTIBILITY TO, 1. Identifiers: Orphanet 2134, Orphanet 90038, MedGen C2749604, MONDO:0009335, OMIM 235400. Disease mechanism: Other.
Factor H deficiency (CFHD). Also called: CFH DEFICIENCY; COMPLEMENT FACTOR H DEFICIENCY. Identifiers: Orphanet 200421, MedGen C0398777, MONDO:0012350, OMIM 609814.
Basal laminar drusen. Also called: DRUSEN OF BRUCH MEMBRANE; DRUSEN, CUTICULAR; DRUSEN, EARLY ADULT-ONSET, GROUPED. Identifiers: Orphanet 75376, MedGen C0730295, MONDO:0007472, OMIM 126700.
Age related macular degeneration 4. Identifiers: MedGen C1853147, MONDO:0012540, OMIM 610698.

Allele frequency attached by ClinVar (database versions not stated): gnomAD exomes 0.00005; ExAC 0.00007.
gnomAD v4.1: 53 of 1,613,892 alleles (0.0033%); highest among the groups gnomAD compares: South Asian, 0.045%; 1 homozygote.

Submissions (6):

Labcorp Genetics (formerly Invitae), Labcorp
Classification: Likely benign. Last evaluated: 2025-07-09. Review status: criteria provided, single submitter. Criteria: Invitae Variant Classification Sherloc (09022015). Collection method: clinical testing. Allele origin: germline.

CeGaT Center for Human Genetics Tuebingen
Classification: Likely benign. Last evaluated: 2023-09-01. Review status: criteria provided, single submitter. Criteria: CeGaT Center For Human Genetics Tuebingen Variant Classification Criteria Version 2. Collection method: clinical testing. Allele origin: germline. Affected: yes. Observed: 1 variant allele.
Comment: CFH: BP4, BP7

Genome-Nilou Lab
Classification: Likely benign for Hemolytic uremic syndrome, atypical, susceptibility to, 1. Last evaluated: 2023-04-11. Review status: criteria provided, single submitter. Criteria: ACMG Guidelines, 2015. Collection method: clinical testing. Allele origin: germline. Affected: no.

Genome-Nilou Lab
Classification: Likely benign for Age related macular degeneration 4. Last evaluated: 2023-04-11. Review status: criteria provided, single submitter. Criteria: ACMG Guidelines, 2015. Collection method: clinical testing. Allele origin: germline. Affected: no.

Genome-Nilou Lab
Classification: Likely benign for Basal laminar drusen. Last evaluated: 2023-04-11. Review status: criteria provided, single submitter. Criteria: ACMG Guidelines, 2015. Collection method: clinical testing. Allele origin: germline. Affected: no.

Genome-Nilou Lab
Classification: Likely benign for Factor H deficiency. Last evaluated: 2023-04-11. Review status: criteria provided, single submitter. Criteria: ACMG Guidelines, 2015. Collection method: clinical testing. Allele origin: germline. Affected: no.

NM_000186.4(CFH):c.2085T>A (p.Pro695=)

Gene: CFH (complement factor H; plus strand). Cytogenetic location: 1q31.3.
Variant type: single nucleotide variant.
Coding change: c.2085T>A on transcript NM_000186.4 (MANE Select); coding-DNA position 2085, T replaced by A.
Protein change: p.Pro695=; no amino-acid change (proline 695 retained).
Molecular consequence: synonymous variant.
Genome position (GRCh38, 1-based): chr1:196,726,789, T>A. VCF-style: chr1-196726789-T-A. GRCh37 (hg19) VCF-style: chr1-196695919-T-A.
Identifiers: ClinVar variation 758181 (VCV000758181.32), dbSNP rs777482186, ClinGen allele CA1305581.